The following is an entry in ClinVar:

NM_003664.5(AP3B1):c.1231-11A>G

Gene: AP3B1 (adaptor related protein complex 3 subunit beta 1; minus strand). Cytogenetic location: 5q14.1.
Variant type: single nucleotide variant.
Coding change: c.1231-11A>G on transcript NM_003664.5 (MANE Select); 11 bases into the intron before coding-DNA position 1231, A replaced by G.
Molecular consequence: intron variant.
Genome position (GRCh38, 1-based): chr5:78,162,962, T>C on the plus strand (A>G on the coding strand, the complement: AP3B1 is on the minus strand). VCF-style: chr5-78162962-T-C. GRCh37 (hg19) VCF-style: chr5-77458786-T-C.
Other names: c.1084-11A>G (NM_001271769.2).
Identifiers: ClinVar variation 1511209 (VCV001511209.8), dbSNP rs1743450274, ClinGen allele CA1557329736.

ClinVar aggregate classification (germline): Uncertain significance (1 of 4 stars; one submission).

Conditions:
Hermansky-Pudlak syndrome 2 (HPS2). Also called: Platelet defects and oculocutaneous albinism. Identifiers: Orphanet 183678, Orphanet 79430, MedGen C1842362, MONDO:0011997, OMIM 608233.

Allele frequency attached by ClinVar (database versions not stated): gnomAD exomes below 0.00001.
gnomAD v4.1: 1 of 1,612,342 alleles (0.000062%); highest among the groups gnomAD compares: East Asian, 0.0022%; no homozygotes.

Submission:

Labcorp Genetics (formerly Invitae), Labcorp
Classification: Uncertain significance for Hermansky-Pudlak syndrome 2. Last evaluated: 2021-06-20. Review status: criteria provided, single submitter. Criteria: Invitae Variant Classification Sherloc (09022015). Collection method: clinical testing. Allele origin: germline.
Comment: In summary, the available evidence is currently insufficient to determine the role of this variant in disease. Therefore, it has been classified as a Variant of Uncertain Significance. Algorithms developed to predict the effect of sequence changes on RNA splicing suggest that this variant may create or strengthen a splice site, but this prediction has not been confirmed by published transcriptional studies. This variant has not been reported in the literature in individuals with AP3B1-related conditions. This variant is not present in population databases (ExAC no frequency). This sequence change falls in intron 12 of the AP3B1 gene. It does not directly change the encoded amino acid sequence of the AP3B1 protein.